The following is an entry in ClinVar:

ClinVar aggregate classification (germline): Likely pathogenic (1 of 4 stars; one submission).

Allele frequency attached by ClinVar (database versions not stated): gnomAD exomes below 0.00001; TOPMed below 0.00001.
gnomAD v4.1: 2 of 1,613,464 alleles (0.00012%); highest among the groups gnomAD compares: Non-Finnish European, 0.00017%; no homozygotes.

Submission:

GeneDx
Classification: Likely pathogenic. Last evaluated: 2016-04-04. Review status: criteria provided, single submitter. Criteria: GeneDx Variant Classification (06012015). Collection method: clinical testing. Allele origin: germline. Affected: yes.
Comment: The c.261-1G>A variant in the B3GALNT2 gene has not been reported previously as a pathogenic variant nor as a benign variant, to our knowledge. This splice site variant destroys the canonical splice acceptor site in intron 2. It is predicted to cause abnormal gene splicing, either leading to an abnormal message that is subject to nonsense-mediated mRNA decay, or to an abnormal protein product if the message is used for protein translation. The c.261-1G>A variant was not observed in approximately 6,500 individuals of European and African American ancestry in the NHLBI Exome Sequencing Project, indicating it is not a common benign variant in these populations. The c.261-1G>A variant is a strong candidate for a pathogenic variant, however the possibility it may be a rare benign variant cannot be excluded.

NM_152490.5(B3GALNT2):c.261-1G>A

Gene: B3GALNT2 (beta-1,3-N-acetylgalactosaminyltransferase 2; minus strand). Cytogenetic location: 1q42.3.
Variant type: single nucleotide variant.
Coding change: c.261-1G>A on transcript NM_152490.5 (MANE Select); the canonical splice acceptor site of the intron before coding-DNA position 261, G replaced by A.
Molecular consequence: splice acceptor variant.
Genome position (GRCh38, 1-based): chr1:235,489,269, C>T on the plus strand (G>A on the coding strand, the complement: B3GALNT2 is on the minus strand). VCF-style: chr1-235489269-C-T. GRCh37 (hg19) VCF-style: chr1-235652574-C-T.
Other names: c.384-1G>A (NM_001277155.3).
Identifiers: ClinVar variation 420868 (VCV000420868.2), dbSNP rs1045409136, ClinGen allele CA16617089.
Genomic context (GRCh38, chr1:235,489,269, plus strand): 5'-TCCCTGTCTTCCACAGGCACTTCACAGCCATGAGCACCTATTATGAACTTCACAAGCACA[C>T]TGAGAGATGTGTTGGCATTAACATCAGTTACTGATCTTCACCTCGCACATGCACGTTTCC-3'